The following is an entry in ClinVar:

NM_013339.4(ALG6):c.167+7T>C

Gene: ALG6 (ALG6 alpha-1,3-glucosyltransferase; plus strand). Cytogenetic location: 1p31.3.
Variant type: single nucleotide variant.
Coding change: c.167+7T>C on transcript NM_013339.4 (MANE Select); 7 bases into the intron after coding-DNA position 167, T replaced by C.
Molecular consequence: intron variant.
Genome position (GRCh38, 1-based): chr1:63,396,604, T>C. VCF-style: chr1-63396604-T-C. GRCh37 (hg19) VCF-style: chr1-63862275-T-C.
Other names: c.167+7T>C (LRG_1260t1).
Identifiers: ClinVar variation 297846 (VCV000297846.18), dbSNP rs374146302, ClinGen allele CA888074.

ClinVar aggregate classification (germline): Conflicting classifications of pathogenicity. Review status: criteria provided, conflicting classifications (1 of 4 stars). 5 submissions from 5 submitters: Uncertain significance (1); Likely benign (3). 1 of the submissions does not count toward it. Last evaluated 2026-01-12.

Conditions:
ALG6-congenital disorder of glycosylation 1C (CDG1C). Also called: CDG Ic; Congenital disorder of glycosylation, type Ic; CARBOHYDRATE-DEFICIENT GLYCOPROTEIN SYNDROME, TYPE I, WITH DEFICIENT GLYCOSYLATION OF DOLICHOL-LINKED OLIGOSACCHARIDE; CARBOHYDRATE-DEFICIENT GLYCOPROTEIN SYNDROME, TYPE V; Congenital disorder of glycosylation type 1C. Identifiers: Orphanet 79320, MedGen C2930997, MONDO:0011291, OMIM 603147.

Allele frequency attached by ClinVar (database versions not stated): gnomAD exomes 0.00002 and 0.00004; ExAC 0.00003; gnomAD 0.00004 and 0.00005; TOPMed 0.00005; ESP Exome Variant Server 0.00008.
gnomAD v4.1: 60 of 1,606,162 alleles (0.0037%); highest among the groups gnomAD compares: Non-Finnish European, 0.005%; no homozygotes.

Submissions (5):

Labcorp Genetics (formerly Invitae), Labcorp
Classification: Likely benign for ALG6-congenital disorder of glycosylation 1C. Last evaluated: 2026-01-12. Review status: criteria provided, single submitter. Criteria: Invitae Variant Classification Sherloc (09022015). Collection method: clinical testing. Allele origin: germline.

Blueprint Genetics
Classification: Likely benign. Last evaluated: 2024-10-08. Review status: criteria provided, single submitter. Criteria: ACMG Guidelines, 2015. Collection method: clinical testing. Allele origin: germline.

Illumina Laboratory Services, Illumina
Classification: Uncertain significance for ALG6-congenital disorder of glycosylation 1C. Last evaluated: 2018-01-13. Review status: criteria provided, single submitter. Criteria: ICSL Variant Classification Criteria 13 December 2019. Collection method: clinical testing. Allele origin: germline.

GeneDx
Classification: Likely benign. Last evaluated: 2017-06-01. Review status: criteria provided, single submitter. Criteria: GeneDx Variant Classification (06012015). Collection method: clinical testing. Allele origin: germline. Affected: yes.
Comment: This variant is considered likely benign or benign based on one or more of the following criteria: it is a conservative change, it occurs at a poorly conserved position in the protein, it is predicted to be benign by multiple in silico algorithms, and/or has population frequency not consistent with disease.

Natera, Inc.
Classification: Likely benign for Congenital disorder of glycosylation type 1c. Last evaluated: 2020-09-16. Review status: no assertion criteria provided. Collection method: clinical testing. Allele origin: germline. Not counted in ClinVar's aggregate classification.